The following is an entry in ClinVar:

NM_002796.3(PSMB4):c.636C>G (p.Asp212Glu)

Gene: PSMB4 (proteasome 20S subunit beta 4; plus strand). Cytogenetic location: 1q21.3.
Variant type: single nucleotide variant.
Coding change: c.636C>G on transcript NM_002796.3 (MANE Select); coding-DNA position 636, C replaced by G.
Protein change: p.Asp212Glu; replaces aspartic acid 212 with glutamic acid.
Molecular consequence: missense variant.
Genome position (GRCh38, 1-based): chr1:151,401,298, C>G. VCF-style: chr1-151401298-C-G. GRCh37 (hg19) VCF-style: chr1-151373774-C-G.
Other names: short protein forms D212E.
Identifiers: ClinVar variation 1487711 (VCV001487711.6), dbSNP rs768834236, ClinGen allele CA341926634.

ClinVar aggregate classification (germline): Uncertain significance (1 of 4 stars; one submission).

Submission:

Labcorp Genetics (formerly Invitae), Labcorp
Classification: Uncertain significance. Last evaluated: 2021-11-08. Review status: criteria provided, single submitter. Criteria: Invitae Variant Classification Sherloc (09022015). Collection method: clinical testing. Allele origin: germline.
Comment: This sequence change replaces aspartic acid, which is acidic and polar, with glutamic acid, which is acidic and polar, at codon 212 of the PSMB4 protein (p.Asp212Glu). This variant is not present in population databases (gnomAD no frequency). This variant has not been reported in the literature in individuals affected with PSMB4-related conditions. Algorithms developed to predict the effect of missense changes on protein structure and function output the following: SIFT: "Tolerated"; PolyPhen-2: "Benign"; Align-GVGD: "Class C0". The glutamic acid amino acid residue is found in multiple mammalian species, which suggests that this missense change does not adversely affect protein function. Algorithms developed to predict the effect of sequence changes on RNA splicing suggest that this variant may create or strengthen a splice site. In summary, the available evidence is currently insufficient to determine the role of this variant in disease. Therefore, it has been classified as a Variant of Uncertain Significance.